The following is an entry in ClinVar:

ClinVar aggregate classification (germline): Uncertain significance (1 of 4 stars; one submission).

Conditions:
Malignant hyperthermia, susceptibility to, 1 (MHS1). Also called: Anesthesia related hyperthermia; Malignant hyperpyrexia; Fulminating hyperpyrexia; Pharmacogenic myopathy; Malignant hyperthermia suceptibility 1; RYR1-Related Malignant Hyperthermia Susceptibility. Identifiers: Orphanet 423, MedGen C2930980, MONDO:0007783, OMIM 145600.

Submission:

All of Us Research Program, National Institutes of Health
Classification: Uncertain significance for Malignant hyperthermia, susceptibility to, 1. Last evaluated: 2024-07-29. Review status: criteria provided, single submitter. Criteria: ACMG Guidelines, 2015. Collection method: clinical testing. Allele origin: germline. Inheritance: Autosomal dominant inheritance. Observed: 1 variant allele, 1 heterozygote.
Comment: This missense variant replaces valine with leucine at codon 2461 of the RYR1 protein. Computational prediction suggests that this variant may have deleterious impact on protein structure and function (internally defined REVEL score threshold >= 0.7, PMID: 27666373). To our knowledge, functional studies have not been reported for this variant. This variant has not been reported in individuals affected with RYR1-related disorders in the literature. This variant has not been identified in the general population by the Genome Aggregation Database (gnomAD). The available evidence is insufficient to determine the role of this variant in disease conclusively. Therefore, this variant is classified as a Variant of Uncertain Significance.

This study involves interpretation of variants in research participants for the purpose of population health screening. Participant phenotype was not available at the time of variant classification. Additional details can be found in publication PMID: 35346344, PMCID: PMC8962531

NM_000540.3(RYR1):c.7381G>T (p.Val2461Leu)

Gene: RYR1 (ryanodine receptor 1; plus strand). Cytogenetic location: 19q13.2.
Variant type: single nucleotide variant.
Coding change: c.7381G>T on transcript NM_000540.3 (MANE Select); coding-DNA position 7381, G replaced by T.
Protein change: p.Val2461Leu; replaces valine 2461 with leucine.
Molecular consequence: missense variant.
Genome position (GRCh38, 1-based): chr19:38,500,663, G>T. VCF-style: chr19-38500663-G-T. GRCh37 (hg19) VCF-style: chr19-38991303-G-T.
Other names: c.7381G>T, p.Val2461Leu (NM_001042723.2); short protein forms V2461L.
Identifiers: ClinVar variation 3385446 (VCV003385446.1).